The following is an entry in ClinVar:

ClinVar aggregate classification (germline): Uncertain significance. Review status: criteria provided, multiple submitters, no conflicts (2 of 4 stars). 3 submissions from 3 submitters: Uncertain significance (3). Last evaluated 2026-03-27.

Conditions:
Inborn genetic diseases. Identifiers: MedGen C0950123, MeSH D030342.
Developmental and epileptic encephalopathy, 27 (DEE27). Also called: GRIN2B-Related Neurodevelopmental Disorder; Epileptic encephalopathy, early infantile, 27. Identifiers: Orphanet 3451, MedGen C4015316, MONDO:0014505, OMIM 616139.
Intellectual developmental disorder, autosomal dominant 6, with or without seizures. Also called: Intellectual disability, autosomal dominant 6; GRIN2B-related developmental delay, intellectual disability and autism spectrum disorder. Identifiers: Orphanet 589547, MedGen C3151411, MONDO:0013509, OMIM 613970.

Submissions (3):

GeneDx
Classification: Uncertain significance. Last evaluated: 2026-03-27. Review status: criteria provided, single submitter. Criteria: GeneDx Variant Classification Process June 2021. Collection method: clinical testing. Allele origin: germline.
Comment: Not observed at significant frequency in large population cohorts (gnomAD); In silico analysis supports that this missense variant has a deleterious effect on protein structure/function; Has not been previously published as pathogenic or benign to our knowledge; This variant is associated with the following publications: (PMID: 27839871)

Ambry Genetics
Classification: Uncertain significance for Inborn genetic diseases. Last evaluated: 2026-02-16. Review status: criteria provided, single submitter. Criteria: Ambry Variant Classification Scheme 2023. Collection method: clinical testing. Allele origin: germline.

Labcorp Genetics (formerly Invitae), Labcorp
Classification: Uncertain significance for Developmental and epileptic encephalopathy, 27; Intellectual developmental disorder, autosomal dominant 6, with or without seizures. Last evaluated: 2022-07-12. Review status: criteria provided, single submitter. Criteria: Invitae Variant Classification Sherloc (09022015). Collection method: clinical testing. Allele origin: germline.
Comment: Advanced modeling of protein sequence and biophysical properties (such as structural, functional, and spatial information, amino acid conservation, physicochemical variation, residue mobility, and thermodynamic stability) performed at Invitae indicates that this missense variant is not expected to disrupt GRIN2B protein function. In summary, the available evidence is currently insufficient to determine the role of this variant in disease. Therefore, it has been classified as a Variant of Uncertain Significance. ClinVar contains an entry for this variant (Variation ID: 1062366). This sequence change replaces alanine, which is neutral and non-polar, with valine, which is neutral and non-polar, at codon 700 of the GRIN2B protein (p.Ala700Val). This variant is not present in population databases (gnomAD no frequency). This variant has not been reported in the literature in individuals affected with GRIN2B-related conditions.

NM_000834.5(GRIN2B):c.2099C>T (p.Ala700Val)

Gene: GRIN2B (glutamate ionotropic receptor NMDA type subunit 2B; minus strand). Cytogenetic location: 12p13.1.
Variant type: single nucleotide variant.
Coding change: c.2099C>T on transcript NM_000834.5 (MANE Select); coding-DNA position 2099, C replaced by T.
Protein change: p.Ala700Val; replaces alanine 700 with valine.
Molecular consequence: missense variant.
Genome position (GRCh38, 1-based): chr12:13,571,876, G>A on the plus strand (C>T on the coding strand, the complement: GRIN2B is on the minus strand). VCF-style: chr12-13571876-G-A. GRCh37 (hg19) VCF-style: chr12-13724810-G-A.
Other names: c.2099C>T (NM_000834.3); short protein forms A700V.
Identifiers: ClinVar variation 1062366 (VCV001062366.11), dbSNP rs1191539298, ClinGen allele CA383999254.